The following is an entry in ClinVar:

NM_003721.4(RFXANK):c.82G>A (p.Gly28Arg)

Gene: RFXANK (regulatory factor X associated ankyrin containing protein; plus strand). Cytogenetic location: 19p13.11.
Variant type: single nucleotide variant.
Coding change: c.82G>A on transcript NM_003721.4 (MANE Select); coding-DNA position 82, G replaced by A.
Protein change: p.Gly28Arg; replaces glycine 28 with arginine.
Molecular consequence: missense variant.
Genome position (GRCh38, 1-based): chr19:19,194,028, G>A. VCF-style: chr19-19194028-G-A. GRCh37 (hg19) VCF-style: chr19-19304837-G-A.
Other names: c.82G>A, p.Gly28Arg (NM_001278727.2, NM_001278728.2, NM_001370233.1 and 6 more transcripts); c.82G>A (NM_003721.2); short protein forms G28R.
Identifiers: ClinVar variation 1424556 (VCV001424556.5), dbSNP rs559367724, ClinGen allele CA9322590.
Genomic context (GRCh38, chr19:19,194,028, plus strand): 5'-GAAGACCTCATCCAGACCCAGCAGACCCCTGCCTCAGAACTTGGGGACCCTGAAGACCCC[G>A]GAGAGGAGGCTGCAGATGGCTCAGACACTGTGGTCCTCAGTCTCTTTCCCTGCACCCCTG-3'
Protein context (NP_003712.1, residues 18-38): ASELGDPEDP[Gly28Arg]EEAADGSDTV

ClinVar aggregate classification (germline): Conflicting classifications of pathogenicity. Review status: criteria provided, conflicting classifications (1 of 4 stars). 2 submissions from 2 submitters: Uncertain significance (1); Likely benign (1). Last evaluated 2023-11-27.

Conditions:
MHC class II deficiency. Also called: BLS, TYPE II; Bare lymphocyte syndrome 2. Identifiers: Orphanet 572, MedGen C5447452, MONDO:0008855.
Inborn genetic diseases. Identifiers: MedGen C0950123, MeSH D030342.

Allele frequency attached by ClinVar (database versions not stated): 1000 Genomes Project 30x 0.00016; 1000 Genomes Project 0.00020; gnomAD exomes 0.00001 and 0.00006; gnomAD 0.00004 and 0.00005; ExAC 0.00005; TOPMed 0.00006.
gnomAD v4.1: 29 of 1,614,134 alleles (0.0018%); highest among the groups gnomAD compares: East Asian, 0.042%; no homozygotes.

Submissions (2):

Ambry Genetics
Classification: Likely benign for Inborn genetic diseases. Last evaluated: 2023-11-27. Review status: criteria provided, single submitter. Criteria: Ambry Variant Classification Scheme 2023. Collection method: clinical testing. Allele origin: germline.

Labcorp Genetics (formerly Invitae), Labcorp
Classification: Uncertain significance for MHC class II deficiency. Last evaluated: 2022-05-29. Review status: criteria provided, single submitter. Criteria: Invitae Variant Classification Sherloc (09022015). Collection method: clinical testing. Allele origin: germline.
Comment: Algorithms developed to predict the effect of missense changes on protein structure and function output the following: SIFT: "Tolerated"; PolyPhen-2: "Benign"; Align-GVGD: "Class C0". The arginine amino acid residue is found in multiple mammalian species, which suggests that this missense change does not adversely affect protein function. This sequence change replaces glycine, which is neutral and non-polar, with arginine, which is basic and polar, at codon 28 of the RFXANK protein (p.Gly28Arg). This variant is present in population databases (rs559367724, gnomAD 0.06%). This variant has not been reported in the literature in individuals affected with RFXANK-related conditions. ClinVar contains an entry for this variant (Variation ID: 1424556). In summary, the available evidence is currently insufficient to determine the role of this variant in disease. Therefore, it has been classified as a Variant of Uncertain Significance.